The following is an entry in ClinVar:

NM_003764.4(STX11):c.157G>A (p.Asp53Asn)

Gene: STX11 (syntaxin 11; plus strand). Cytogenetic location: 6q24.2.
Variant type: single nucleotide variant.
Coding change: c.157G>A on transcript NM_003764.4 (MANE Select); coding-DNA position 157, G replaced by A.
Protein change: p.Asp53Asn; replaces aspartic acid 53 with asparagine.
Molecular consequence: missense variant.
Genome position (GRCh38, 1-based): chr6:144,186,784, G>A. VCF-style: chr6-144186784-G-A. GRCh37 (hg19) VCF-style: chr6-144507921-G-A.
Other names: short protein forms D53N.
Identifiers: ClinVar variation 859503 (VCV000859503.8), dbSNP rs749246568, ClinGen allele CA4031639.

ClinVar aggregate classification (germline): Uncertain significance. Review status: criteria provided, multiple submitters, no conflicts (2 of 4 stars). 2 submissions from 2 submitters: Uncertain significance (2). Last evaluated 2022-03-19.

Conditions:
Familial hemophagocytic lymphohistiocytosis 4 (FHL4). Also called: STX11-Related Familial Hemophagocytic Lymphohistiocytosis (STX11-fHLH). Identifiers: Orphanet 540, MedGen C1863728, MONDO:0011336, OMIM 603552.

Allele frequency attached by ClinVar (database versions not stated): TOPMed 0.00001; gnomAD exomes 0.00005 and 0.00007; ExAC 0.00008.
gnomAD v4.1: 73 of 1,613,900 alleles (0.0045%); highest among the groups gnomAD compares: South Asian, 0.079%; no homozygotes.

Submissions (2):

Labcorp Genetics (formerly Invitae), Labcorp
Classification: Uncertain significance for Familial hemophagocytic lymphohistiocytosis 4. Last evaluated: 2022-03-19. Review status: criteria provided, single submitter. Criteria: Invitae Variant Classification Sherloc (09022015). Collection method: clinical testing. Allele origin: germline.
Comment: This sequence change replaces aspartic acid, which is acidic and polar, with asparagine, which is neutral and polar, at codon 53 of the STX11 protein (p.Asp53Asn). This variant is present in population databases (rs749246568, gnomAD 0.06%). This variant has not been reported in the literature in individuals affected with STX11-related conditions. ClinVar contains an entry for this variant (Variation ID: 859503). Algorithms developed to predict the effect of missense changes on protein structure and function output the following: SIFT: "Tolerated"; PolyPhen-2: "Benign"; Align-GVGD: "Class C0". The asparagine amino acid residue is found in multiple mammalian species, which suggests that this missense change does not adversely affect protein function. In summary, the available evidence is currently insufficient to determine the role of this variant in disease. Therefore, it has been classified as a Variant of Uncertain Significance.

Illumina Laboratory Services, Illumina
Classification: Uncertain significance for Familial hemophagocytic lymphohistiocytosis 4. Last evaluated: 2018-01-12. Review status: criteria provided, single submitter. Criteria: ICSL Variant Classification Criteria 13 December 2019. Collection method: clinical testing. Allele origin: germline.